The following is an entry in ClinVar:

ClinVar aggregate classification (germline): Uncertain significance (1 of 4 stars; one submission).

Conditions:
Primary ciliary dyskinesia. Also called: Ciliary dyskinesia. Identifiers: Orphanet 244, MedGen C0008780, MONDO:0016575, HP:0012265.

Submission:

Ambry Genetics
Classification: Uncertain significance for Primary ciliary dyskinesia. Last evaluated: 2026-05-23. Review status: criteria provided, single submitter. Criteria: Ambry Variant Classification Scheme 2023. Collection method: clinical testing. Allele origin: germline.
Comment: The p.D511E variant (also known as c.1533C>G), located in coding exon 7 of the DNAAF5 gene, results from a C to G substitution at nucleotide position 1533. The aspartic acid at codon 511 is replaced by glutamic acid, an amino acid with highly similar properties. This amino acid position is conserved. In addition, this alteration is predicted to be tolerated by in silico analysis. Based on the available evidence, the clinical significance of this variant remains unclear.

NM_017802.4(DNAAF5):c.1533C>G (p.Asp511Glu)

Gene: DNAAF5 (dynein axonemal assembly factor 5; plus strand). Cytogenetic location: 7p22.3.
Variant type: single nucleotide variant.
Coding change: c.1533C>G on transcript NM_017802.4 (MANE Select); coding-DNA position 1533, C replaced by G.
Protein change: p.Asp511Glu; replaces aspartic acid 511 with glutamic acid.
Molecular consequence: missense variant. On other transcripts: non-coding transcript variant (1).
Genome position (GRCh38, 1-based): chr7:761,815, C>G. VCF-style: chr7-761815-C-G. GRCh37 (hg19) VCF-style: chr7-801452-C-G.
Other names: short protein forms D511E.
Identifiers: ClinVar variation 3502914 (VCV003502914.2).